The following is an entry in ClinVar:

ClinVar aggregate classification (germline): Pathogenic/Likely pathogenic. Review status: criteria provided, multiple submitters, no conflicts (2 of 4 stars). 5 submissions from 5 submitters: Pathogenic (4); Likely pathogenic (1). Last evaluated 2024-12-17.

Conditions:
Familial long QT syndrome (RWS). Also called: VENTRICULAR FIBRILLATION WITH PROLONGED QT INTERVAL; Romano-Ward syndrome; Congenital long QT syndrome. Identifiers: Orphanet 768, MedGen C1141890, MONDO:0019171.
Jervell and Lange-Nielsen syndrome (JLNS). Also called: Jervell-Lange Nielsen syndrome. Identifiers: Orphanet 90647, MedGen C0022387, MONDO:0002441.
Long QT syndrome (LQTS). Identifiers: MedGen C0023976, MeSH D008133, MONDO:0002442. Disease mechanism: loss of function. Inheritance: Various modes of inheritance.
Long QT syndrome 1 (LQT1). Identifiers: Orphanet 101016, Orphanet 768, MedGen C4551647, MONDO:0100316, OMIM 192500, MONDO:0008646.
KCNQ1-related disorder. Also called: KCNQ1-related condition; KCNQ1-related disorders. Identifiers: MedGen CN239322.

Submissions (5):

GeneDx
Classification: Pathogenic. Last evaluated: 2024-12-17. Review status: criteria provided, single submitter. Criteria: GeneDx Variant Classification Process June 2021. Collection method: clinical testing. Allele origin: germline. Affected: yes.
Comment: Reported in patients with LQTS referred for genetic testing at GeneDx and in published literature (PMID: 19716085, 34505893); Not observed at significant frequency in large population cohorts (gnomAD); Frameshift variant predicted to result in protein truncation or nonsense mediated decay in a gene for which loss of function is a known mechanism of disease; This variant is associated with the following publications: (PMID: 31447099, 34505893, 19716085)

Blueprint Genetics
Classification: Pathogenic for KCNQ1-related disorders. Last evaluated: 2024-10-21. Review status: criteria provided, single submitter. Criteria: ACMG Guidelines, 2015. Collection method: clinical testing. Allele origin: germline. Affected: yes. Observed: 2 variant alleles.

Labcorp Genetics (formerly Invitae), Labcorp
Classification: Pathogenic for Long QT syndrome. Last evaluated: 2023-01-23. Review status: criteria provided, single submitter. Criteria: Invitae Variant Classification Sherloc (09022015). Collection method: clinical testing. Allele origin: germline.
Comment: For these reasons, this variant has been classified as Pathogenic. This sequence change creates a premature translational stop signal (p.Val135Serfs*102) in the KCNQ1 gene. It is expected to result in an absent or disrupted protein product. Loss-of-function variants in KCNQ1 are known to be pathogenic (PMID: 9323054, 19862833). This variant is not present in population databases (gnomAD no frequency). This premature translational stop signal has been observed in individual(s) with clinical features consistent with long QT syndrome (PMID: 19716085, 34505893). ClinVar contains an entry for this variant (Variation ID: 200891).

Laboratory for Molecular Medicine, Mass General Brigham Personalized Medicine
Classification: Likely pathogenic for Familial long QT syndrome; Isolated congenital long QT syndrome; Jervell and Lange-Nielsen syndrome. Last evaluated: 2017-05-18. Review status: criteria provided, single submitter. Criteria: LMM Criteria. Collection method: clinical testing. Allele origin: germline. Observed: 1 variant allele.
Comment: The p.Val135fs variant in KCNQ1 has been reported in 1 individual that was refer red for long QT syndrome (LQTS) testing (Kapplinger 2009) and has also been repo rted in ClinVar (Variation ID# 200891). This variant was absent from large popul ation studies, though the ability of these studies to accurately detect indels m ay be limited. This variant is predicted to cause a frameshift, which alters the protein?s amino acid sequence beginning at position 135 and leads to a prematur e termination codon 102 amino acids downstream. This alteration is then predicte d to lead to a truncated or absent protein. Loss-of-function variants in KCNQ1 are associated with LQTS (also known as Romano-Ward syndrome) in the heterozygou s state and with Jervell and Lange-Nielsen syndrome (JLNS) in the compound heter ozygous or homozygous state. In summary, although additional studies are require d to fully establish its clinical significance, the p.Val135fs variant is likely pathogenic.

Imagene.me medical diagnostic laboratory, IMAGENE.ME SA
Classification: Pathogenic for Long QT syndrome 1. Review status: criteria provided, single submitter. Criteria: IMAGENE.ME Variant Classification SOP 2022. Collection method: clinical testing. Allele origin: germline.
Comment: Classified according to the IMAGENE.ME variant classification SOP based on the ACMG guidelines as Pathogenic (P): PVS1 + PS4_supporting + PM2

Literature cited by the submitters: PubMed 9323054 (cited by Labcorp Genetics (formerly Invitae), Labcorp); PubMed 19862833 (cited by Labcorp Genetics (formerly Invitae), Labcorp); PubMed 19716085 (cited by Labcorp Genetics (formerly Invitae), Labcorp and Laboratory for Molecular Medicine, Mass General Brigham Personalized Medicine); PubMed 34505893 (cited by Labcorp Genetics (formerly Invitae), Labcorp).

NM_000218.3(KCNQ1):c.403del (p.Val135fs)

Gene: KCNQ1 (potassium voltage-gated channel subfamily Q member 1; plus strand). Cytogenetic location: 11p15.5.
Variant type: Deletion.
Coding change: c.403del on transcript NM_000218.3 (MANE Select); coding-DNA position 403, one base deleted (G; older notation c.403delG).
Protein change: p.Val135fs; shifts the reading frame from valine 135.
Molecular consequence: frameshift variant.
Genome position (GRCh38, 1-based): chr11:2,527,944, G deleted; the last of 2 consecutive G bases (chr11:2,527,943-2,527,944); deleting either gives the same sequence. VCF-style (leftmost placement, unchanged base first): chr11-2527942-TG-T. GRCh37 (hg19) VCF-style: chr11-2549172-TG-T.
Other names: c.403delG, p.Val135Serfs (NM_000218.2, NM_001406836.1, NM_001406838.1); c.133delG, p.Val45Serfs (NM_001406837.1); c.22delG, p.Val8Serfs (NM_181798.2); c.403del (NM_000218.2); short protein forms V135fs, V8fs.
Identifiers: ClinVar variation 200891 (VCV000200891.15), dbSNP rs794728565, ClinGen allele CA007001.